The following is an entry in ClinVar:

ClinVar aggregate classification (germline): Likely benign. Review status: criteria provided, multiple submitters, no conflicts (2 of 4 stars). 5 submissions from 5 submitters: Likely benign (4). 1 of the submissions does not count toward it. Last evaluated 2026-09-01.

Conditions:
TMEM126B-related disorder. Also called: TMEM126B-related condition.

Allele frequency attached by ClinVar (database versions not stated): gnomAD exomes 0.00031; 1000 Genomes Project 30x 0.00187; ExAC 0.00420; ESP Exome Variant Server 0.01115.

Submissions (5):

CeGaT Center for Human Genetics Tuebingen
Classification: Likely benign. Last evaluated: 2026-09-01. Review status: criteria provided, single submitter. Criteria: CeGaT Center For Human Genetics Tuebingen Variant Classification Criteria Version 2. Collection method: clinical testing. Allele origin: germline. Affected: yes. Observed: 4 variant alleles.
Comment: TMEM126B: BP4, BP7

Labcorp Genetics (formerly Invitae), Labcorp
Classification: Likely benign. Last evaluated: 2025-12-30. Review status: criteria provided, single submitter. Criteria: Invitae Variant Classification Sherloc (09022015). Collection method: clinical testing. Allele origin: germline.

Blueprint Genetics
Classification: Likely benign. Last evaluated: 2024-11-27. Review status: criteria provided, single submitter. Criteria: ACMG Guidelines, 2015. Collection method: clinical testing. Allele origin: germline.

Breakthrough Genomics
Classification: Likely benign. Review status: criteria provided, single submitter. Criteria: ACMG Guidelines, 2015. Collection method: not provided. Allele origin: germline. Inheritance: Autosomal recessive inheritance. Affected: yes.

PreventionGenetics, part of Exact Sciences
Classification: Likely benign for TMEM126B-related condition. Last evaluated: 2020-03-19. Review status: no assertion criteria provided. Collection method: clinical testing. Allele origin: germline. Not counted in ClinVar's aggregate classification.
Comment: This variant is classified as likely benign based on ACMG/AMP sequence variant interpretation guidelines (Richards et al. 2015 PMID: 25741868, with internal and published modifications).

NM_018480.7(TMEM126B):c.498C>T (p.Arg166=)

Gene: TMEM126B (transmembrane protein 126B; plus strand). Cytogenetic location: 11q14.1.
Variant type: single nucleotide variant.
Coding change: c.498C>T on transcript NM_018480.7 (MANE Select); coding-DNA position 498, C replaced by T.
Protein change: p.Arg166=; no amino-acid change (arginine 166 retained).
Molecular consequence: synonymous variant. On other transcripts: non-coding transcript variant (2).
Genome position (GRCh38, 1-based): chr11:85,635,767, C>T. VCF-style: chr11-85635767-C-T. GRCh37 (hg19) VCF-style: chr11-85346811-C-T.
Other names: c.498C>T (NM_018480.4); c.438C>T, p.Arg146= (NM_001193537.3); c.408C>T, p.Arg136= (NM_001193538.3, NM_001256546.2); c.360C>T, p.Arg120= (NM_001256547.2); c.273C>T, p.Arg91= (NM_001350393.1).
Identifiers: ClinVar variation 1087417 (VCV001087417.34), dbSNP rs143283257, ClinGen allele CA6212526.
Genomic context (GRCh38, chr11:85,635,767, plus strand): 5'-GATTGGCATAGTTTGTGGTGTTTTCTATCCCAGTTCTTTGGCTTTTACTAAAAATGGACG[C>T]CTGGCAACCAAGTAAGTTCTTCCTTTTCCTTCTTTTTTCTTTTCTTTTCTTTTCTTTTTT-3'
Protein context (NP_060950.3, residues 156-176): PSSLAFTKNG[Arg166=]LATKYHTVPL